The following is an entry in ClinVar:

ClinVar aggregate classification (germline): Uncertain significance (1 of 4 stars; one submission).

Conditions:
RASopathy. Also called: rasopathies; Noonan spectrum disorder. Identifiers: Orphanet 536391, MedGen C5555857, MONDO:0021060.

Allele frequency attached by ClinVar (database versions not stated): gnomAD exomes below 0.00001; gnomAD 0.00001.
gnomAD v4.1: 10 of 1,613,140 alleles (0.00062%); highest among the groups gnomAD compares: Non-Finnish European, 0.00059%; no homozygotes.

Submission:

Labcorp Genetics (formerly Invitae), Labcorp
Classification: Uncertain significance for RASopathy. Last evaluated: 2023-07-29. Review status: criteria provided, single submitter. Criteria: Invitae Variant Classification Sherloc (09022015). Collection method: clinical testing. Allele origin: germline.
Comment: Advanced modeling of protein sequence and biophysical properties (such as structural, functional, and spatial information, amino acid conservation, physicochemical variation, residue mobility, and thermodynamic stability) has been performed at Invitae for this missense variant, however the output from this modeling did not meet the statistical confidence thresholds required to predict the impact of this variant on SOS1 protein function. In summary, the available evidence is currently insufficient to determine the role of this variant in disease. Therefore, it has been classified as a Variant of Uncertain Significance. Algorithms developed to predict the effect of sequence changes on RNA splicing suggest that this variant may create or strengthen a splice site. ClinVar contains an entry for this variant (Variation ID: 2148742). This variant has not been reported in the literature in individuals affected with SOS1-related conditions. This variant is not present in population databases (gnomAD no frequency). This sequence change replaces threonine, which is neutral and polar, with isoleucine, which is neutral and non-polar, at codon 753 of the SOS1 protein (p.Thr753Ile).

NM_005633.4(SOS1):c.2258C>T (p.Thr753Ile)

Gene: SOS1 (SOS Ras/Rac guanine nucleotide exchange factor 1; minus strand). Cytogenetic location: 2p22.1.
Variant type: single nucleotide variant.
Coding change: c.2258C>T on transcript NM_005633.4 (MANE Select); coding-DNA position 2258, C replaced by T.
Protein change: p.Thr753Ile; replaces threonine 753 with isoleucine.
Molecular consequence: missense variant.
Genome position (GRCh38, 1-based): chr2:39,012,258, G>A on the plus strand (C>T on the coding strand, the complement: SOS1 is on the minus strand). VCF-style: chr2-39012258-G-A. GRCh37 (hg19) VCF-style: chr2-39239399-G-A.
Other names: c.2237C>T, p.Thr746Ile (NM_001382394.1); c.2258C>T, p.Thr753Ile (NM_001382395.1); short protein forms T746I, T753I.
Identifiers: ClinVar variation 2148742 (VCV002148742.4), dbSNP rs1032978868, ClinGen allele CA45660512.